The following is an entry in ClinVar:

NM_001323289.2(CDKL5):c.173del (p.Leu58fs)

Gene: CDKL5 (cyclin dependent kinase like 5; plus strand). Cytogenetic location: Xp22.13.
Variant type: Deletion.
Coding change: c.173del on transcript NM_001323289.2 (MANE Select); coding-DNA position 173, one base deleted (T; older notation c.173delT).
Protein change: p.Leu58fs; shifts the reading frame from leucine 58.
Molecular consequence: frameshift variant.
Genome position (GRCh38, 1-based): chrX:18,575,381, T deleted; the last of 3 consecutive T bases (chrX:18,575,379-18,575,381); deleting any one gives the same sequence. VCF-style (leftmost placement, unchanged base first): chrX-18575378-CT-C. GRCh37 (hg19) VCF-style: chrX-18593498-CT-C.
Other names: NM_003159.3:c.173del; c.173del, p.Leu58fs (NM_001037343.2, NM_003159.3); short protein forms L58fs.
Identifiers: ClinVar variation 3602040 (VCV003602040.1).

ClinVar aggregate classification (germline): Pathogenic. Review status: criteria provided, multiple submitters, no conflicts (2 of 4 stars). 2 submissions from 2 submitters: Pathogenic (2). Last evaluated 2025-08-06.

Conditions:
Developmental and epileptic encephalopathy, 2 (DEE2). Also called: CDKL5 deficiency disorder; INFANTILE SPASM SYNDROME, X-LINKED 2. Identifiers: Orphanet 1934, Orphanet 3451, Orphanet 505652, MedGen C4750718, MONDO:0010396, OMIM 300672.
Rett syndrome (RTT). Also called: Rett's disorder; AUTISM, DEMENTIA, ATAXIA, AND LOSS OF PURPOSEFUL HAND USE. Identifiers: Orphanet 3095, Orphanet 778, MedGen C0035372, MONDO:0010726, OMIM 312750.

Submissions (2):

Variantyx, Inc.
Classification: Pathogenic for Developmental and epileptic encephalopathy, 2. Last evaluated: 2025-08-06. Review status: criteria provided, single submitter. Criteria: Variantyx Assertion Criteria 2022. Collection method: clinical testing. Allele origin: maternal. Inheritance: X-linked dominant inheritance.
Comment: This is a frameshift variant in the CDKL5 gene (OMIM: 300203). Pathogenic variants in this gene have been associated with X-linked developmental and epileptic encephalopathy 2. This variant introduces a premature termination codon in exon 5 out of 12 and is expected to result in loss of function, which is a known disease mechanism for CDKL5 in this disorder (PMID: 22872100) (PVS1). This variant has been reported in at least one affected individual (PMID: 38874638) (PS4) and is absent from control populations (PM2). Based on the current evidence, this variant is classified as pathogenic for X-linked developmental and epileptic encephalopathy 2.

Centre for Population Genomics, CPG
Classification: Pathogenic for Rett syndrome. Last evaluated: 2024-12-19. Review status: criteria provided, single submitter. Criteria: McKnight et al. (Hum Mutat. 2022). Collection method: curation. Allele origin: germline. Inheritance: X-linked inheritance.
Comment: Based on the classification scheme defined by the ClinGen Rett/Angelman-like Expert Panel for Rett/AS-like Disorders Specifications to the ACMG/AMP Variant Interpretation Guidelines VCEP 3.0, this variant is classified as pathogenic. At least the following criteria are met:Predicted to result in loss of function, and LOF is a known mechanism of disease (PVS1). This variant has been identified as a de novo occurrence in an individual with CDKL5 disorder without confirmation of paternity and maternity (PM6) (PMID: 31225800).This variant is absent from gnomAD (PM2_Supporting).Has been observed in at least 2 individuals with phenotypes consistent with CDKL5 disorder (PS4_Supporting) (PMID: 38874638, 31225800).

Literature cited by the submitters: PubMed 22872100 (cited by Variantyx, Inc.); PubMed 38874638 (cited by Variantyx, Inc.).